The following is an entry in ClinVar:

NM_003412.4(ZIC1):c.1006T>C (p.Phe336Leu)

Gene: ZIC1 (Zic family member 1; plus strand). Cytogenetic location: 3q24.
Variant type: single nucleotide variant.
Coding change: c.1006T>C on transcript NM_003412.4 (MANE Select); coding-DNA position 1006, T replaced by C.
Protein change: p.Phe336Leu; replaces phenylalanine 336 with leucine.
Molecular consequence: missense variant.
Genome position (GRCh38, 1-based): chr3:147,412,541, T>C. VCF-style: chr3-147412541-T-C. GRCh37 (hg19) VCF-style: chr3-147130328-T-C.
Other names: short protein forms F336L.
Identifiers: ClinVar variation 3343664 (VCV003343664.1).

ClinVar aggregate classification (germline): Uncertain significance (1 of 4 stars; one submission).

Submission:

GeneDx
Classification: Uncertain significance. Last evaluated: 2023-05-18. Review status: criteria provided, single submitter. Criteria: GeneDx Variant Classification Process June 2021. Collection method: clinical testing. Allele origin: germline. Affected: yes.
Comment: Not observed at significant frequency in large population cohorts (gnomAD); In silico analysis supports that this missense variant has a deleterious effect on protein structure/function; Has not been previously published as pathogenic or benign to our knowledge